The following is an entry in ClinVar:

ClinVar aggregate classification (germline): Conflicting classifications of pathogenicity. Review status: criteria provided, conflicting classifications (1 of 4 stars). 3 submissions from 3 submitters: Uncertain significance (2); Likely benign (1). Last evaluated 2026-01-12.

Conditions:
Inborn genetic diseases. Identifiers: MedGen C0950123, MeSH D030342.

Allele frequency attached by ClinVar (database versions not stated): gnomAD exomes 0.00001 and 0.00003; ExAC 0.00007; ESP Exome Variant Server 0.00032.
gnomAD v4.1: 50 of 1,556,836 alleles (0.0032%); highest among the groups gnomAD compares: African/African-American, 0.031%; no homozygotes.

Submissions (3):

Labcorp Genetics (formerly Invitae), Labcorp
Classification: Uncertain significance. Last evaluated: 2026-01-12. Review status: criteria provided, single submitter. Criteria: Invitae Variant Classification Sherloc (09022015). Collection method: clinical testing. Allele origin: germline.
Comment: This sequence change replaces glutamine, which is neutral and polar, with histidine, which is basic and polar, at codon 30 of the DLL1 protein (p.Gln30His). This variant is present in population databases (rs368576000, gnomAD 0.02%). This variant has not been reported in the literature in individuals affected with DLL1-related conditions. ClinVar contains an entry for this variant (Variation ID: 1412499). An algorithm developed to predict the effect of missense changes on protein structure and function (PolyPhen-2) suggests that this variant is likely to be disruptive. In summary, the available evidence is currently insufficient to determine the role of this variant in disease. Therefore, it has been classified as a Variant of Uncertain Significance.

Ambry Genetics
Classification: Uncertain significance for Inborn genetic diseases. Last evaluated: 2024-12-31. Review status: criteria provided, single submitter. Criteria: Ambry Variant Classification Scheme 2023. Collection method: clinical testing. Allele origin: germline.

Blueprint Genetics
Classification: Likely benign. Last evaluated: 2024-11-01. Review status: criteria provided, single submitter. Criteria: ACMG Guidelines, 2015. Collection method: clinical testing. Allele origin: germline.

NM_005618.4(DLL1):c.90G>C (p.Gln30His)

Gene: DLL1 (delta like canonical Notch ligand 1; minus strand). Cytogenetic location: 6q27.
Variant type: single nucleotide variant.
Coding change: c.90G>C on transcript NM_005618.4 (MANE Select); coding-DNA position 90, G replaced by C.
Protein change: p.Gln30His; replaces glutamine 30 with histidine.
Molecular consequence: missense variant.
Genome position (GRCh38, 1-based): chr6:170,289,773, C>G on the plus strand (G>C on the coding strand, the complement: DLL1 is on the minus strand). VCF-style: chr6-170289773-C-G. GRCh37 (hg19) VCF-style: chr6-170598861-C-G.
Other names: c.90G>C (NM_005618.3); short protein forms Q30H.
Identifiers: ClinVar variation 1412499 (VCV001412499.9), dbSNP rs368576000, ClinGen allele CA4107209.